The following is an entry in ClinVar:

ClinVar aggregate classification (germline): Uncertain significance (1 of 4 stars; one submission).

Conditions:
Rubinstein-Taybi syndrome due to EP300 haploinsufficiency. Also called: RUBINSTEIN-TAYBI SYNDROME 2; EP300-Related Rubinstein-Taybi Syndrome. Identifiers: Orphanet 353284, Orphanet 783, MedGen C3150941, MONDO:0013364, OMIM 613684.

Submission:

Labcorp Genetics (formerly Invitae), Labcorp
Classification: Uncertain significance for Rubinstein-Taybi syndrome due to EP300 haploinsufficiency. Last evaluated: 2025-12-02. Review status: criteria provided, single submitter. Criteria: Invitae Variant Classification Sherloc (09022015). Collection method: clinical testing. Allele origin: germline.
Comment: This variant, c.6962_6967dup, results in the insertion of 2 amino acid(s) of the EP300 protein (p.Gln2321_Pro2322dup), but otherwise preserves the integrity of the reading frame. This variant is not present in population databases (gnomAD no frequency). This variant has not been reported in the literature in individuals affected with EP300-related conditions. In summary, the available evidence is currently insufficient to determine the role of this variant in disease. Therefore, it has been classified as a Variant of Uncertain Significance.

NM_001429.4(EP300):c.6962_6967dup (p.Pro2322_Pro2323insGlnPro)

Gene: EP300 (EP300 lysine acetyltransferase; plus strand). Cytogenetic location: 22q13.2.
Variant type: Duplication.
Coding change: c.6962_6967dup on transcript NM_001429.4 (MANE Select); coding-DNA positions 6962 to 6967, 6 bases duplicated (AGCCCC; older notation c.6962_6967dupAGCCCC).
Protein change: p.Pro2322_Pro2323insGlnPro.
Molecular consequence: inframe insertion.
Genome position (GRCh38, 1-based): chr22:41,178,673-41,178,678, AGCCCC duplicated; duplicating any 6 consecutive bases within chr22:41,178,670-41,178,678 gives the same sequence; the c. name uses the placement nearest the transcript's 3' end. VCF-style (leftmost placement, unchanged base first): chr22-41178669-T-TCCCAGC. GRCh37 (hg19) VCF-style: chr22-41574673-T-TCCCAGC.
Other names: c.6884_6889dup, p.Pro2296_Pro2297insGlnPro (NM_001362843.2).
Identifiers: ClinVar variation 4731586 (VCV004731586.1).